The following is an entry in ClinVar:

NM_057175.5(NAA15):c.263TTC[1] (p.Leu89del)

Gene: NAA15 (N-alpha-acetyltransferase 15, NatA auxiliary subunit; plus strand). Cytogenetic location: 4q31.1.
Variant type: Microsatellite.
Coding change: c.263TTC[1] on transcript NM_057175.5 (MANE Select); one copy of the 3-base unit TTC starting at c.263; the reference has two copies in a row; one copy, 3 bases deleted.
Protein change: p.Leu89del; deletes leucine 89.
Genome position (GRCh38, 1-based): chr4:139,340,933-139,340,935, TTC deleted; deleting any 3 consecutive bases within chr4:139,340,929-139,340,935 gives the same sequence; the position shown is the placement nearest the transcript's 3' end. VCF-style (leftmost placement, unchanged base first): chr4-139340928-CCTT-C. GRCh37 (hg19) VCF-style: chr4-140262082-CCTT-C.
Other names: c.263TTC[1], p.Leu89del (NM_001410842.1); short protein forms L89del.
Identifiers: ClinVar variation 3900288 (VCV003900288.1).

ClinVar aggregate classification (germline): Pathogenic (1 of 4 stars; one submission).

Submission:

GeneDx
Classification: Pathogenic. Last evaluated: 2024-11-23. Review status: criteria provided, single submitter. Criteria: GeneDx Variant Classification Process June 2021. Collection method: clinical testing. Allele origin: germline. Affected: yes.
Comment: In-frame deletion of 1 amino acid in a non-repeat region; In silico analysis supports a deleterious effect on protein structure/function; Not observed at significant frequency in large population cohorts (gnomAD); Has not been previously published as pathogenic or benign to our knowledge